The following is an entry in ClinVar:

ClinVar aggregate classification (germline): Conflicting classifications of pathogenicity. Review status: criteria provided, conflicting classifications (1 of 4 stars). 6 submissions from 5 submitters: Uncertain significance (2); Likely benign (3). 1 of the submissions does not count toward it. Last evaluated 2025-12-01.

Conditions:
Seckel syndrome 5 (SCKL5). Identifiers: Orphanet 808, MedGen C3151187, MONDO:0013443, OMIM 613823.
CEP152-related disorder. Also called: CEP152-related condition; CEP152-related disorders. Identifiers: MedGen CN239248.
Microcephaly 9, primary, autosomal recessive. Identifiers: Orphanet 2512, MedGen C3553886, MONDO:0013923, OMIM 614852.

Allele frequency attached by ClinVar (database versions not stated): ESP Exome Variant Server 0.00008; TOPMed 0.00013; gnomAD exomes 0.00014; ExAC 0.00017.
gnomAD v4.1: 233 of 1,614,002 alleles (0.014%); highest among the groups gnomAD compares: Non-Finnish European, 0.018%; no homozygotes.

Submissions (6):

CeGaT Center for Human Genetics Tuebingen
Classification: Likely benign. Last evaluated: 2025-12-01. Review status: criteria provided, single submitter. Criteria: CeGaT Center For Human Genetics Tuebingen Variant Classification Criteria Version 2. Collection method: clinical testing. Allele origin: germline. Affected: yes. Observed: 4 variant alleles.
Comment: CEP152: BP4, BP7

Labcorp Genetics (formerly Invitae), Labcorp
Classification: Likely benign. Last evaluated: 2025-09-02. Review status: criteria provided, single submitter. Criteria: Invitae Variant Classification Sherloc (09022015). Collection method: clinical testing. Allele origin: germline.

Blueprint Genetics
Classification: Likely benign. Last evaluated: 2024-11-01. Review status: criteria provided, single submitter. Criteria: ACMG Guidelines, 2015. Collection method: clinical testing. Allele origin: germline.

Illumina Laboratory Services, Illumina
Classification: Uncertain significance for Microcephaly 9, primary, autosomal recessive. Last evaluated: 2018-01-13. Review status: criteria provided, single submitter. Criteria: ICSL Variant Classification Criteria 13 December 2019. Collection method: clinical testing. Allele origin: germline.

Illumina Laboratory Services, Illumina
Classification: Uncertain significance for Seckel syndrome 5. Last evaluated: 2018-01-13. Review status: criteria provided, single submitter. Criteria: ICSL Variant Classification Criteria 13 December 2019. Collection method: clinical testing. Allele origin: germline.

PreventionGenetics, part of Exact Sciences
Classification: Likely benign for CEP152-related condition. Last evaluated: 2019-10-28. Review status: no assertion criteria provided. Collection method: clinical testing. Allele origin: germline. Not counted in ClinVar's aggregate classification.
Comment: This variant is classified as likely benign based on ACMG/AMP sequence variant interpretation guidelines (Richards et al. 2015 PMID: 25741868, with internal and published modifications).

NM_001194998.2(CEP152):c.4320T>C (p.His1440=)

Gene: CEP152 (centrosomal protein 152; minus strand). Cytogenetic location: 15q21.1.
Variant type: single nucleotide variant.
Coding change: c.4320T>C on transcript NM_001194998.2 (MANE Select); coding-DNA position 4320, T replaced by C.
Protein change: p.His1440=; no amino-acid change (histidine 1440 retained).
Molecular consequence: synonymous variant.
Genome position (GRCh38, 1-based): chr15:48,739,062, A>G on the plus strand (T>C on the coding strand, the complement: CEP152 is on the minus strand). VCF-style: chr15-48739062-A-G. GRCh37 (hg19) VCF-style: chr15-49031259-A-G.
Other names: c.4152T>C, p.His1384= (NM_014985.4); c.4320T>C (NM_001194998.1).
Identifiers: ClinVar variation 886873 (VCV000886873.35), dbSNP rs372379014, ClinGen allele CA7548121.